The following is an entry in ClinVar:

NM_004168.4(SDHA):c.1187C>T (p.Thr396Met)

Gene: SDHA (succinate dehydrogenase complex flavoprotein subunit A; plus strand). Cytogenetic location: 5p15.33.
Variant type: single nucleotide variant.
Coding change: c.1187C>T on transcript NM_004168.4 (MANE Select); coding-DNA position 1187, C replaced by T.
Protein change: p.Thr396Met; replaces threonine 396 with methionine.
Molecular consequence: missense variant.
Genome position (GRCh38, 1-based): chr5:235,266, C>T. VCF-style: chr5-235266-C-T. GRCh37 (hg19) VCF-style: chr5-235381-C-T.
Other names: c.1043C>T, p.Thr348Met (NM_001294332.2); c.1187C>T, p.Thr396Met (NM_001330758.2); short protein forms T396M, T348M.
Identifiers: ClinVar variation 486387 (VCV000486387.16), dbSNP rs757251714, ClinGen allele CA3173133.

ClinVar aggregate classification (germline): Uncertain significance. Review status: criteria provided, multiple submitters, no conflicts (2 of 4 stars). 3 submissions from 3 submitters: Uncertain significance (3). Last evaluated 2025-10-24.

Conditions:
Pheochromocytoma/paraganglioma syndrome 5. Also called: Paragangliomas 5; SDHA-Related Hereditary Paraganglioma-Pheochromocytoma Syndrome. Identifiers: Orphanet 29072, MedGen C3279992, MONDO:0013602, OMIM 614165.
Mitochondrial complex II deficiency, nuclear type 1. Also called: SUCCINATE CoQ REDUCTASE DEFICIENCY. Identifiers: Orphanet 3208, MedGen C5700310, MONDO:0100294, OMIM 252011.
Hereditary cancer-predisposing syndrome. Also called: Tumor predisposition; Hereditary Cancer Syndrome; Neoplastic Syndromes, Hereditary; Hereditary neoplastic syndrome. Identifiers: Orphanet 140162, MedGen C0027672, MeSH D009386, MONDO:0015356.

Allele frequency attached by ClinVar (database versions not stated): gnomAD exomes below 0.00001 and 0.00001; TOPMed below 0.00001; ExAC 0.00002.

Submissions (3):

Labcorp Genetics (formerly Invitae), Labcorp
Classification: Uncertain significance for Pheochromocytoma/paraganglioma syndrome 5; Mitochondrial complex II deficiency, nuclear type 1. Last evaluated: 2025-10-24. Review status: criteria provided, single submitter. Criteria: Invitae Variant Classification Sherloc (09022015). Collection method: clinical testing. Allele origin: germline.
Comment: This sequence change replaces threonine, which is neutral and polar, with methionine, which is neutral and non-polar, at codon 396 of the SDHA protein (p.Thr396Met). This variant is present in population databases (rs757251714, gnomAD 0.002%). This variant has not been reported in the literature in individuals affected with SDHA-related conditions. ClinVar contains an entry for this variant (Variation ID: 486387). Invitae Evidence Modeling of protein sequence and biophysical properties (such as structural, functional, and spatial information, amino acid conservation, physicochemical variation, residue mobility, and thermodynamic stability) indicates that this missense variant is not expected to disrupt SDHA protein function with a negative predictive value of 95%. In summary, the available evidence is currently insufficient to determine the role of this variant in disease. Therefore, it has been classified as a Variant of Uncertain Significance.

Ambry Genetics
Classification: Uncertain significance for Hereditary cancer-predisposing syndrome. Last evaluated: 2025-10-08. Review status: criteria provided, single submitter. Criteria: Ambry Variant Classification Scheme 2023. Collection method: clinical testing. Allele origin: germline.
Comment: The p.T396M variant (also known as c.1187C>T), located in coding exon 9 of the SDHA gene, results from a C to T substitution at nucleotide position 1187. The threonine at codon 396 is replaced by methionine, an amino acid with similar properties. This amino acid position is highly conserved in available vertebrate species. In addition, the in silico prediction for this alteration is inconclusive. Since supporting evidence is limited at this time, the clinical significance of this alteration remains unclear.

Blueprint Genetics
Classification: Uncertain significance. Last evaluated: 2022-07-25. Review status: criteria provided, single submitter. Criteria: ACMG Guidelines, 2015. Collection method: clinical testing. Allele origin: germline.